The following is an entry in ClinVar:

ClinVar aggregate classification (germline): Uncertain significance (1 of 4 stars; one submission).

Conditions:
Generalized epilepsy-paroxysmal dyskinesia syndrome (PNKD3). Also called: Generalized epilepsy and paroxysmal dyskinesia; Paroxysmal nonkinesigenic dyskinesia, 3, with or without generalized epilepsy. Identifiers: Orphanet 79137, MedGen C5574945, MONDO:0012276, OMIM 609446.

Allele frequency attached by ClinVar (database versions not stated): gnomAD 0.00001; ExAC 0.00003; gnomAD exomes 0.00002 and 0.00004; TOPMed below 0.00001.
gnomAD v4.1: 60 of 1,613,164 alleles (0.0037%); highest among the groups gnomAD compares: Non-Finnish European, 0.005%; no homozygotes.

Submission:

Labcorp Genetics (formerly Invitae), Labcorp
Classification: Uncertain significance for Generalized epilepsy-paroxysmal dyskinesia syndrome. Last evaluated: 2023-09-11. Review status: criteria provided, single submitter. Criteria: Invitae Variant Classification Sherloc (09022015). Collection method: clinical testing. Allele origin: germline.
Comment: In summary, the available evidence is currently insufficient to determine the role of this variant in disease. Therefore, it has been classified as a Variant of Uncertain Significance. An algorithm developed to predict the effect of missense changes on protein structure and function (PolyPhen-2) suggests that this variant is likely to be tolerated. ClinVar contains an entry for this variant (Variation ID: 657271). This variant has not been reported in the literature in individuals affected with KCNMA1-related conditions. The frequency data for this variant in the population databases is considered unreliable, as metrics indicate poor data quality at this position in the gnomAD database. This sequence change replaces leucine, which is neutral and non-polar, with methionine, which is neutral and non-polar, at codon 114 of the KCNMA1 protein (p.Leu114Met).

NM_001161352.2(KCNMA1):c.340C>A (p.Leu114Met)

Gene: KCNMA1 (potassium calcium-activated channel subfamily M alpha 1; minus strand). Cytogenetic location: 10q22.3.
Variant type: single nucleotide variant.
Coding change: c.340C>A on transcript NM_001161352.2 (MANE Select); coding-DNA position 340, C replaced by A.
Protein change: p.Leu114Met; replaces leucine 114 with methionine.
Molecular consequence: missense variant.
Genome position (GRCh38, 1-based): chr10:77,637,303, G>T on the plus strand (C>A on the coding strand, the complement: KCNMA1 is on the minus strand). VCF-style: chr10-77637303-G-T. GRCh37 (hg19) VCF-style: chr10-79397061-G-T.
Other names: c.340C>A, p.Leu114Met (NM_001014797.3, NM_001161353.2, NM_001271518.2 and 12 more transcripts); short protein forms L114M.
Identifiers: ClinVar variation 657271 (VCV000657271.9), dbSNP rs780623276, ClinGen allele CA5568765.